The following is an entry in ClinVar:

ClinVar aggregate classification (germline): Likely benign. Review status: criteria provided, multiple submitters, no conflicts (2 of 4 stars). 3 submissions from 3 submitters: Likely benign (2). 1 of the submissions does not count toward it. Last evaluated 2025-12-31.

Conditions:
Inborn genetic diseases. Identifiers: MedGen C0950123, MeSH D030342.
COL7A1-related disorder. Also called: COL7A1- related disorders; COL7A1-related condition.

Allele frequency attached by ClinVar (database versions not stated): ExAC 0.00002; TOPMed 0.00002; gnomAD exomes 0.00003 and 0.00004; gnomAD 0.00004.
gnomAD v4.1: 44 of 1,613,944 alleles (0.0027%); highest among the groups gnomAD compares: Admixed American, 0.015%; no homozygotes.

Submissions (3):

Labcorp Genetics (formerly Invitae), Labcorp
Classification: Likely benign. Last evaluated: 2025-12-31. Review status: criteria provided, single submitter. Criteria: Invitae Variant Classification Sherloc (09022015). Collection method: clinical testing. Allele origin: germline.

Ambry Genetics
Classification: Likely benign for Inborn genetic diseases. Last evaluated: 2025-10-28. Review status: criteria provided, single submitter. Criteria: Ambry Variant Classification Scheme 2023. Collection method: clinical testing. Allele origin: germline.

PreventionGenetics, part of Exact Sciences
Classification: Uncertain significance for COL7A1-related condition. Last evaluated: 2024-02-15. Review status: no assertion criteria provided. Collection method: clinical testing. Allele origin: germline. Not counted in ClinVar's aggregate classification.
Comment: The COL7A1 c.5132C>T variant is predicted to result in the amino acid substitution p.Thr1711Ile. To our knowledge, this variant has not been reported in the literature. This variant is reported in 0.017% of alleles in individuals of Latino descent in gnomAD . At this time, the clinical significance of this variant is uncertain due to the absence of conclusive functional and genetic evidence.

NM_000094.4(COL7A1):c.5132C>T (p.Thr1711Ile)

Gene: COL7A1 (collagen type VII alpha 1 chain; minus strand). Cytogenetic location: 3p21.31.
Variant type: single nucleotide variant.
Coding change: c.5132C>T on transcript NM_000094.4 (MANE Select); coding-DNA position 5132, C replaced by T.
Protein change: p.Thr1711Ile; replaces threonine 1711 with isoleucine.
Molecular consequence: missense variant.
Genome position (GRCh38, 1-based): chr3:48,579,807, G>A on the plus strand (C>T on the coding strand, the complement: COL7A1 is on the minus strand). VCF-style: chr3-48579807-G-A. GRCh37 (hg19) VCF-style: chr3-48617240-G-A.
Other names: c.5132C>T (NM_000094.3); short protein forms T1711I.
Identifiers: ClinVar variation 1430052 (VCV001430052.11), dbSNP rs771521596, ClinGen allele CA2379638.